The following is an entry in ClinVar:

ClinVar aggregate classification (germline): Uncertain significance. Review status: criteria provided, multiple submitters, no conflicts (2 of 4 stars). 2 submissions from 2 submitters: Uncertain significance (2). Last evaluated 2024-08-05.

Conditions:
Ataxia-telangiectasia syndrome (AT). Also called: Ataxia-telangiectasia, complementation group E; Cerebello-oculocutaneous telangiectasia; Immunodeficiency with ataxia telangiectasia; ATAXIA-TELANGIECTASIA, COMPLEMENTATION GROUP A; ATAXIA-TELANGIECTASIA, FRESNO VARIANT; Ataxia-telangiectasia, complementation group D. Identifiers: Orphanet 100, MedGen C0004135, MONDO:0008840, OMIM 208900.
Hereditary cancer-predisposing syndrome. Also called: Tumor predisposition; Hereditary neoplastic syndrome; Neoplastic Syndromes, Hereditary; Hereditary Cancer Syndrome. Identifiers: Orphanet 140162, MedGen C0027672, MeSH D009386, MONDO:0015356.

Allele frequency attached by ClinVar (database versions not stated): gnomAD exomes 0.00001.
gnomAD v4.1: 5 of 1,613,412 alleles (0.00031%); highest among the groups gnomAD compares: Non-Finnish European, 0.00042%; no homozygotes.

Submissions (2):

Ambry Genetics
Classification: Uncertain significance for Hereditary cancer-predisposing syndrome. Last evaluated: 2024-08-05. Review status: criteria provided, single submitter. Criteria: Ambry Variant Classification Scheme 2023. Collection method: clinical testing. Allele origin: germline.
Comment: The p.A1123T variant (also known as c.3367G>A), located in coding exon 22 of the ATM gene, results from a G to A substitution at nucleotide position 3367. The alanine at codon 1123 is replaced by threonine, an amino acid with similar properties. This amino acid position is not well conserved in available vertebrate species. In addition, this alteration is predicted to be tolerated by in silico analysis. Based on the available evidence, the clinical significance of this variant remains unclear.

Labcorp Genetics (formerly Invitae), Labcorp
Classification: Uncertain significance for Ataxia-telangiectasia syndrome. Last evaluated: 2022-07-19. Review status: criteria provided, single submitter. Criteria: Invitae Variant Classification Sherloc (09022015). Collection method: clinical testing. Allele origin: germline.
Comment: ClinVar contains an entry for this variant (Variation ID: 1520211). In summary, the available evidence is currently insufficient to determine the role of this variant in disease. Therefore, it has been classified as a Variant of Uncertain Significance. Advanced modeling of protein sequence and biophysical properties (such as structural, functional, and spatial information, amino acid conservation, physicochemical variation, residue mobility, and thermodynamic stability) performed at Invitae indicates that this missense variant is not expected to disrupt ATM protein function. This variant has not been reported in the literature in individuals affected with ATM-related conditions. This variant is not present in population databases (gnomAD no frequency). This sequence change replaces alanine, which is neutral and non-polar, with threonine, which is neutral and polar, at codon 1123 of the ATM protein (p.Ala1123Thr).

NM_000051.4(ATM):c.3367G>A (p.Ala1123Thr)

Gene: ATM (ATM serine/threonine kinase; plus strand). Cytogenetic location: 11q22.3.
Variant type: single nucleotide variant.
Coding change: c.3367G>A on transcript NM_000051.4 (MANE Select); coding-DNA position 3367, G replaced by A.
Protein change: p.Ala1123Thr; replaces alanine 1123 with threonine.
Molecular consequence: missense variant.
Genome position (GRCh38, 1-based): chr11:108,279,573, G>A. VCF-style: chr11-108279573-G-A. GRCh37 (hg19) VCF-style: chr11-108150300-G-A.
Other names: c.3367G>A (NM_000051.3); c.3367G>A, p.Ala1123Thr (NM_001351834.2); short protein forms A1123T.
Identifiers: ClinVar variation 1520211 (VCV001520211.7), dbSNP rs1060501581, ClinGen allele CA382517690.